The following is an entry in ClinVar:

NM_006096.4(NDRG1):c.730C>T (p.Pro244Ser)

Genes: NDRG1 (N-myc downstream regulated 1; minus strand), LOC126860531 (CDK7 strongly-dependent group 2 enhancer GRCh37_chr8:134259869-134261068; plus strand). Cytogenetic location: 8q24.22.
Variant type: single nucleotide variant.
Coding change: c.730C>T on transcript NM_006096.4 (MANE Select); coding-DNA position 730, C replaced by T.
Protein change: p.Pro244Ser; replaces proline 244 with serine.
Molecular consequence: missense variant.
Genome position (GRCh38, 1-based): chr8:133,248,740, G>A on the plus strand (C>T on the coding strand, the complement: NDRG1 is on the minus strand). VCF-style: chr8-133248740-G-A. GRCh37 (hg19) VCF-style: chr8-134260983-G-A.
Other names: c.730C>T, p.Pro244Ser (NM_001135242.2, NM_001374845.1, NM_001374846.1); c.532C>T, p.Pro178Ser (NM_001258432.2, NM_001374847.1); c.487C>T, p.Pro163Ser (NM_001258433.2); c.781C>T, p.Pro261Ser (NM_001374844.1); short protein forms P244S, P178S, P163S, P261S.
Identifiers: ClinVar variation 966379 (VCV000966379.9), dbSNP rs1187584644, ClinGen allele CA372255189.

ClinVar aggregate classification (germline): Uncertain significance (1 of 4 stars; one submission).

Conditions:
Charcot-Marie-Tooth disease type 4. Also called: Charcot-Marie-Tooth disease, type IV; Charcot-Marie-Tooth, Type 4. Identifiers: Orphanet 64749, MedGen C4082197, MONDO:0018995.

Allele frequency attached by ClinVar (database versions not stated): gnomAD exomes below 0.00001; TOPMed below 0.00001.
gnomAD v4.1: 1 of 1,614,190 alleles (0.000062%); highest among the groups gnomAD compares: Non-Finnish European, 0.000085%; no homozygotes.

Submission:

Labcorp Genetics (formerly Invitae), Labcorp
Classification: Uncertain significance for Charcot-Marie-Tooth disease type 4. Last evaluated: 2022-07-13. Review status: criteria provided, single submitter. Criteria: Invitae Variant Classification Sherloc (09022015). Collection method: clinical testing. Allele origin: germline.
Comment: This sequence change replaces proline, which is neutral and non-polar, with serine, which is neutral and polar, at codon 244 of the NDRG1 protein (p.Pro244Ser). This variant is present in population databases (no rsID available, gnomAD 0.0009%). This variant has not been reported in the literature in individuals affected with NDRG1-related conditions. ClinVar contains an entry for this variant (Variation ID: 966379). Algorithms developed to predict the effect of missense changes on protein structure and function are either unavailable or do not agree on the potential impact of this missense change (SIFT: "Tolerated"; PolyPhen-2: "Probably Damaging"; Align-GVGD: "Class C0"). In summary, the available evidence is currently insufficient to determine the role of this variant in disease. Therefore, it has been classified as a Variant of Uncertain Significance.